The following is an entry in ClinVar:

NM_015450.3(POT1):c.527G>C (p.Gly176Ala)

Gene: POT1 (protection of telomeres 1; minus strand). Cytogenetic location: 7q31.33.
Variant type: single nucleotide variant.
Coding change: c.527G>C on transcript NM_015450.3 (MANE Select); coding-DNA position 527, G replaced by C.
Protein change: p.Gly176Ala; replaces glycine 176 with alanine.
Molecular consequence: missense variant. On other transcripts: non-coding transcript variant (3).
Genome position (GRCh38, 1-based): chr7:124,863,369, C>G on the plus strand (G>C on the coding strand, the complement: POT1 is on the minus strand). VCF-style: chr7-124863369-C-G. GRCh37 (hg19) VCF-style: chr7-124503423-C-G.
Other names: c.134G>C, p.Gly45Ala (NM_001042594.2); short protein forms G176A, G45A.
Identifiers: ClinVar variation 1746553 (VCV001746553.4), dbSNP rs768469999, ClinGen allele CA369058673.
Genomic context (GRCh38, chr7:124,863,369, plus strand): 5'-GTGGTGCTAACTTATAATTCCCAGTATTAAAAAATATGTACCTTTAGAAGAAATGATGCT[C>G]CGTCCACTTCTGCTTTGCCCAAGAGCTGACAAGTCAGGTCAAAATACTGCATTGGCTGAA-3'
Protein context (NP_056265.2, residues 166-186): CQLLGKAEVD[Gly176Ala]ASFLLKVWDG

ClinVar aggregate classification (germline): Uncertain significance. Review status: criteria provided, multiple submitters, no conflicts (2 of 4 stars). 2 submissions from 2 submitters: Uncertain significance (2). Last evaluated 2024-12-23.

Conditions:
Hereditary cancer-predisposing syndrome. Also called: Hereditary Cancer Syndrome; Hereditary neoplastic syndrome; Neoplastic Syndromes, Hereditary; Tumor predisposition. Identifiers: Orphanet 140162, MedGen C0027672, MeSH D009386, MONDO:0015356.
Tumor predisposition syndrome 3 (TPDS3). Also called: Melanoma, cutaneous malignant, susceptibility to, 10; Glioma susceptibility 9; LONG TELOMERE SYNDROME, POT1-RELATED; POT1 Tumor Predisposition. Identifiers: Orphanet 618, MedGen C4014476, MONDO:0014368, OMIM 615848.

gnomAD v4.1: 1 of 1,612,654 alleles (0.000062%); highest among the groups gnomAD compares: Admixed American, 0.0017%; no homozygotes.

Submissions (2):

Labcorp Genetics (formerly Invitae), Labcorp
Classification: Uncertain significance for Tumor predisposition syndrome 3. Last evaluated: 2024-12-23. Review status: criteria provided, single submitter. Criteria: Invitae Variant Classification Sherloc (09022015). Collection method: clinical testing. Allele origin: germline.
Comment: This sequence change replaces glycine, which is neutral and non-polar, with alanine, which is neutral and non-polar, at codon 176 of the POT1 protein (p.Gly176Ala). This variant is not present in population databases (gnomAD no frequency). This variant has not been reported in the literature in individuals affected with POT1-related conditions. ClinVar contains an entry for this variant (Variation ID: 1746553). Invitae Evidence Modeling of protein sequence and biophysical properties (such as structural, functional, and spatial information, amino acid conservation, physicochemical variation, residue mobility, and thermodynamic stability) indicates that this missense variant is not expected to disrupt POT1 protein function with a negative predictive value of 80%. In summary, the available evidence is currently insufficient to determine the role of this variant in disease. Therefore, it has been classified as a Variant of Uncertain Significance.

Ambry Genetics
Classification: Uncertain significance for Hereditary cancer-predisposing syndrome. Last evaluated: 2022-02-22. Review status: criteria provided, single submitter. Criteria: Ambry Variant Classification Scheme 2023. Collection method: clinical testing. Allele origin: germline.
Comment: The p.G176A variant (also known as c.527G>C), located in coding exon 4 of the POT1 gene, results from a G to C substitution at nucleotide position 527. The glycine at codon 176 is replaced by alanine, an amino acid with similar properties. This amino acid position is conserved. In addition, this alteration is predicted to be tolerated by in silico analysis. Since supporting evidence is limited at this time, the clinical significance of this alteration remains unclear.